The following is an entry in ClinVar:

ClinVar aggregate classification (germline): Uncertain significance. Review status: criteria provided, multiple submitters, no conflicts (2 of 4 stars). 2 submissions from 2 submitters: Uncertain significance (2). Last evaluated 2025-11-24.

Conditions:
Cardiovascular phenotype. Identifiers: MedGen CN230736.
Ehlers-Danlos syndrome, kyphoscoliotic type, 2. Also called: Ehlers-Danlos syndrome with progressive kyphoscoliosis, myopathy, and hearing loss; Ehlers-Danlos syndrome, kyphoscoliotic and deafness type; FKBP14-Kyphoscoliotic Ehlers-Danlos Syndrome. Identifiers: Orphanet 300179, MedGen C3281160, MONDO:0013800, OMIM 614557.

Allele frequency attached by ClinVar (database versions not stated): gnomAD 0.00001; gnomAD exomes 0.00002 and 0.00003; TOPMed 0.00002.
gnomAD v4.1: 52 of 1,612,236 alleles (0.0032%); highest among the groups gnomAD compares: Middle Eastern, 0.017%; no homozygotes.

Submissions (2):

Ambry Genetics
Classification: Uncertain significance for Cardiovascular phenotype. Last evaluated: 2025-11-24. Review status: criteria provided, single submitter. Criteria: Ambry Variant Classification Scheme 2023. Collection method: clinical testing. Allele origin: germline.
Comment: The p.V9I variant (also known as c.25G>A), located in coding exon 1 of the FKBP14 gene, results from a G to A substitution at nucleotide position 25. The valine at codon 9 is replaced by isoleucine, an amino acid with highly similar properties. This amino acid position is not well conserved in available vertebrate species, and isoleucine is the reference amino acid in other vertebrate species. In addition, this alteration is predicted to be tolerated by in silico analysis. Since supporting evidence is limited at this time, the clinical significance of this alteration remains unclear.

Labcorp Genetics (formerly Invitae), Labcorp
Classification: Uncertain significance for Ehlers-Danlos syndrome, kyphoscoliotic type, 2. Last evaluated: 2022-11-16. Review status: criteria provided, single submitter. Criteria: Invitae Variant Classification Sherloc (09022015). Collection method: clinical testing. Allele origin: germline.
Comment: In summary, the available evidence is currently insufficient to determine the role of this variant in disease. Therefore, it has been classified as a Variant of Uncertain Significance. Algorithms developed to predict the effect of missense changes on protein structure and function output the following: SIFT: "Tolerated"; PolyPhen-2: "Benign"; Align-GVGD: "Class C0". The isoleucine amino acid residue is found in multiple mammalian species, which suggests that this missense change does not adversely affect protein function. ClinVar contains an entry for this variant (Variation ID: 1002303). This variant has not been reported in the literature in individuals affected with FKBP14-related conditions. This variant is present in population databases (no rsID available, gnomAD 0.003%). This sequence change replaces valine, which is neutral and non-polar, with isoleucine, which is neutral and non-polar, at codon 9 of the FKBP14 protein (p.Val9Ile).

NM_017946.4(FKBP14):c.25G>A (p.Val9Ile)

Genes: FKBP14 (FKBP prolyl isomerase 14; minus strand), FKBP14-AS1 (FKBP14 antisense RNA 1; plus strand). Cytogenetic location: 7p14.3.
Variant type: single nucleotide variant.
Coding change: c.25G>A on transcript NM_017946.4 (MANE Select); coding-DNA position 25, G replaced by A.
Protein change: p.Val9Ile; replaces valine 9 with isoleucine.
Molecular consequence: missense variant. On other transcripts: non-coding transcript variant (2).
Genome position (GRCh38, 1-based): chr7:30,026,484, C>T on the plus strand (G>A on the coding strand, the complement: FKBP14 is on the minus strand). VCF-style: chr7-30026484-C-T. GRCh37 (hg19) VCF-style: chr7-30066100-C-T.
Other names: short protein forms V9I.
Identifiers: ClinVar variation 1002303 (VCV001002303.11), dbSNP rs1198123802, ClinGen allele CA367118480.